The following is an entry in ClinVar:

NM_001364905.1(LRBA):c.1745C>T (p.Thr582Ile)

Gene: LRBA (LPS responsive beige-like anchor protein; minus strand). Cytogenetic location: 4q31.3.
Variant type: single nucleotide variant.
Coding change: c.1745C>T on transcript NM_001364905.1 (MANE Select); coding-DNA position 1745, C replaced by T.
Protein change: p.Thr582Ile; replaces threonine 582 with isoleucine.
Molecular consequence: missense variant.
Genome position (GRCh38, 1-based): chr4:150,905,848, G>A on the plus strand (C>T on the coding strand, the complement: LRBA is on the minus strand). VCF-style: chr4-150905848-G-A. GRCh37 (hg19) VCF-style: chr4-151827000-G-A.
Other names: c.1745C>T, p.Thr582Ile (NM_001199282.3, NM_001367550.1, NM_006726.5); short protein forms T582I.
Identifiers: ClinVar variation 1416782 (VCV001416782.5), dbSNP rs774280019, ClinGen allele CA358431343.

ClinVar aggregate classification (germline): Uncertain significance. Review status: criteria provided, multiple submitters, no conflicts (2 of 4 stars). 3 submissions from 3 submitters: Uncertain significance (3). Last evaluated 2024-09-13.

Conditions:
Inborn genetic diseases. Identifiers: MedGen C0950123, MeSH D030342.
Combined immunodeficiency due to LRBA deficiency. Also called: Common variable immunodeficiency 8, with autoimmunity. Identifiers: Orphanet 445018, MedGen C3553512, MONDO:0013863, OMIM 614700.

gnomAD v4.1: 4 of 1,612,776 alleles (0.00025%); highest among the groups gnomAD compares: African/African-American, 0.0013%; no homozygotes.

Submissions (3):

Blueprint Genetics
Classification: Uncertain significance. Last evaluated: 2024-09-13. Review status: criteria provided, single submitter. Criteria: ACMG Guidelines, 2015. Collection method: clinical testing. Allele origin: germline.

Labcorp Genetics (formerly Invitae), Labcorp
Classification: Uncertain significance for Combined immunodeficiency due to LRBA deficiency. Last evaluated: 2022-07-19. Review status: criteria provided, single submitter. Criteria: Invitae Variant Classification Sherloc (09022015). Collection method: clinical testing. Allele origin: germline.
Comment: This sequence change replaces threonine, which is neutral and polar, with isoleucine, which is neutral and non-polar, at codon 582 of the LRBA protein (p.Thr582Ile). This variant is not present in population databases (gnomAD no frequency). This variant has not been reported in the literature in individuals affected with LRBA-related conditions. ClinVar contains an entry for this variant (Variation ID: 1416782). Algorithms developed to predict the effect of missense changes on protein structure and function (SIFT, PolyPhen-2, Align-GVGD) all suggest that this variant is likely to be tolerated. In summary, the available evidence is currently insufficient to determine the role of this variant in disease. Therefore, it has been classified as a Variant of Uncertain Significance.

Ambry Genetics
Classification: Uncertain significance for Inborn genetic diseases. Last evaluated: 2021-07-13. Review status: criteria provided, single submitter. Criteria: Ambry Variant Classification Scheme 2023. Collection method: clinical testing. Allele origin: germline.